The following is an entry in ClinVar:

NM_024079.5(ALG8):c.122G>A (p.Arg41Gln)

Gene: ALG8 (ALG8 alpha-1,3-glucosyltransferase; minus strand). Cytogenetic location: 11q14.1.
Variant type: single nucleotide variant.
Coding change: c.122G>A on transcript NM_024079.5 (MANE Select); coding-DNA position 122, G replaced by A.
Protein change: p.Arg41Gln; replaces arginine 41 with glutamine.
Molecular consequence: missense variant.
Genome position (GRCh38, 1-based): chr11:78,127,410, C>T on the plus strand (G>A on the coding strand, the complement: ALG8 is on the minus strand). VCF-style: chr11-78127410-C-T. GRCh37 (hg19) VCF-style: chr11-77838456-C-T.
Other names: c.122G>A, p.Arg41Gln (NM_001007027.3); short protein forms R41Q.
Identifiers: ClinVar variation 96091 (VCV000096091.9), dbSNP rs398124391, ClinGen allele CA223731.
Genomic context (GRCh38, chr11:78,127,410, plus strand): 5'-AAACTTACCTCATAATACCACTGTGATATTGGCAAACTGTGAGTGATAGCAAGCCAGTTT[C>T]GGTGTACTTCAAAATCTGTGGAATGGCTACTCAAAACAATTAGATAAATAAAATGAGATT-3'
Protein context (NP_076984.2, residues 31-51): TYHSTDFEVH[Arg41Gln]NWLAITHSLP

ClinVar aggregate classification (germline): Pathogenic. Review status: criteria provided, multiple submitters, no conflicts (2 of 4 stars). 3 submissions from 3 submitters: Pathogenic (2). 1 of the submissions does not count toward it. Last evaluated 2024-10-08.

Conditions:
ALG8 congenital disorder of glycosylation. Also called: CONGENITAL DISORDER OF GLYCOSYLATION, TYPE Ih; CDG Ih; ALG8-CDG. Identifiers: Orphanet 79325, MedGen C2931002, MONDO:0011969, OMIM 608104.

Allele frequency attached by ClinVar (database versions not stated): gnomAD 0.00002; gnomAD exomes 0.00002 and 0.00004; TOPMed 0.00003; ExAC 0.00002.
gnomAD v4.1: 58 of 1,613,450 alleles (0.0036%); highest among the groups gnomAD compares: Non-Finnish European, 0.0042%; no homozygotes.

Submissions (3):

Victorian Clinical Genetics Services, Murdoch Childrens Research Institute
Classification: Pathogenic for ALG8 congenital disorder of glycosylation. Last evaluated: 2024-10-08. Review status: criteria provided, single submitter. Criteria: ACMG Guidelines, 2015. Collection method: clinical testing. Allele origin: germline. Inheritance: Autosomal recessive inheritance. Affected: yes.
Comment: Based on the classification scheme VCGS_Germline_v1.3.4, this variant is classified as Pathogenic. Following criteria are met: 0102 - Loss of function is a known mechanism of disease in this gene and is associated with congenital disorder of glycosylation, type Ih (MIM#608104) and polycystic liver disease 3 with or without kidney cysts (MIM#617874). (I) 0108 - This gene is associated with both recessive and dominant disease, where the same variants have been reported to cause both conditions (PMID: 28375157; 26066342). (I) 0200 - Variant is predicted to result in a missense amino acid change from arginine to glutamine. (I) 0251 - This variant is heterozygous. (I) 0304 - Variant is present in gnomAD (v2) <0.01 (6 heterozygotes, 0 homozygotes). (SP) 0309 - An alternative amino acid change at the same position has been observed in gnomAD (v2) (2 heterozygotes, 0 homozygotes). (I) 0501 - Missense variant consistently predicted to be damaging by multiple in silico tools or highly conserved with a major amino acid change. (SP) 0600 - Variant is located in the annotated ALG6, ALG8 glycosyltransferase domain (DECIPHER). (I) 0705 - No comparable missense variants have previous evidence for pathogenicity. (I) 0802 - This variant has moderate previous evidence of pathogenicity in unrelated individuals. This variant has been observed in three unrelated compound heterozygous individuals, one of whom was also compound heterozygous with p.(Arg41*) , with congenital disorder of glycosylation (PMID: 35716054; 35211808) This variant has also been classified as a VUS in ClinVar. (SP) 0905 - No published segregation evidence has been identified for this variant. (I) 1001 - This variant has strong functional evidence supporting abnormal protein function. Fibroblasts from a individual with a complex allele [p.(Leu149Arg) + p.(Thr327Arg)] in trans with this variant showed hypoglycosylation of the proIGF-1Ea and lower IGF-1 secretion when compared with control, as well as reduced IGF-1R expression level (PMID: 35211808). (SP) 1201 - Heterozygous variant detected in trans with a second pathogenic heterozygous variant (NM_024079.4(ALG8): c.121C>T; p.(Arg41*)) in a recessive disease. (I) Legend: (SP) - Supporting pathogenic, (I) - Information, (SB) - Supporting benign

Labcorp Genetics (formerly Invitae), Labcorp
Classification: Pathogenic for ALG8 congenital disorder of glycosylation. Last evaluated: 2024-06-02. Review status: criteria provided, single submitter. Criteria: Invitae Variant Classification Sherloc (09022015). Collection method: clinical testing. Allele origin: germline.
Comment: This sequence change replaces arginine, which is basic and polar, with glutamine, which is neutral and polar, at codon 41 of the ALG8 protein (p.Arg41Gln). This variant is present in population databases (rs398124391, gnomAD 0.006%). This missense change has been observed in individual(s) with congenital disorder of glycosylation type 1 (PMID: 35716054). It has also been observed to segregate with disease in related individuals. ClinVar contains an entry for this variant (Variation ID: 96091). Advanced modeling of protein sequence and biophysical properties (such as structural, functional, and spatial information, amino acid conservation, physicochemical variation, residue mobility, and thermodynamic stability) performed at Invitae indicates that this missense variant is expected to disrupt ALG8 protein function with a positive predictive value of 80%. For these reasons, this variant has been classified as Pathogenic.

Eurofins Ntd Llc (ga)
Classification: Uncertain significance. Last evaluated: 2012-12-21. Review status: flagged submission. Criteria: EGL Classification Definitions 2015. Collection method: clinical testing. Allele origin: germline. Observed: 1 variant allele, 1 heterozygote. Not counted in ClinVar's aggregate classification.
ClinVar note: Reason: Older claim that does not account for recent evidence

Literature cited by the submitters: PubMed 26066342 (cited by Victorian Clinical Genetics Services, Murdoch Childrens Research Institute); PubMed 28375157 (cited by Victorian Clinical Genetics Services, Murdoch Childrens Research Institute); PubMed 35211808 (cited by Victorian Clinical Genetics Services, Murdoch Childrens Research Institute); PubMed 35716054 (cited by Victorian Clinical Genetics Services, Murdoch Childrens Research Institute and Labcorp Genetics (formerly Invitae), Labcorp).